The following is an entry in ClinVar:

ClinVar aggregate classification (germline): Likely pathogenic (1 of 4 stars; one submission).

Conditions:
Hereditary breast ovarian cancer syndrome. Also called: Hereditary breast and ovarian cancer; Hereditary breast and ovarian cancer syndrome (HBOC); Breast and ovarian cancer; Hereditary breast and ovarian cancer syndrome; BRCA1- and BRCA2-Associated Hereditary Breast and Ovarian Cancer; Hereditary breast and/or ovarian cancer syndrome. Identifiers: Orphanet 145, MedGen C0677776, MeSH D061325, MONDO:0003582. Disease mechanism: loss of function.

Submission:

Women's Health and Genetics/Laboratory Corporation of America, LabCorp
Classification: Likely pathogenic for Hereditary breast and ovarian cancer syndrome. Last evaluated: 2018-08-13. Review status: criteria provided, single submitter. Criteria: LabCorp Variant Classification Summary - May 2015. Collection method: clinical testing. Allele origin: germline.
Comment: Variant summary: BRCA1 c.2620_2621delAA (p.Asn874SerfsX28) results in a premature termination codon, predicted to cause a truncation of the encoded protein or absence of the protein due to nonsense mediated decay, which are commonly known mechanisms for disease. Truncations downstream of this position have been classified as pathogenic by our laboratory (eg. p.Leu892X, p.Lys894fsX8, and p.Pro897fsX5). The variant was absent in 245912 control chromosomes (gnomAD). To our knowledge, no occurrence of c.2620_2621delAA in individuals affected with Hereditary Breast and Ovarian Cancer and no experimental evidence demonstrating its impact on protein function have been reported. No clinical diagnostic laboratories have submitted clinical-significance assessments for this variant to ClinVar after 2014. Based on the evidence outlined above, the variant was classified as likely pathogenic.

NM_007294.4(BRCA1):c.2620_2621del (p.Asn874fs)

Gene: BRCA1 (BRCA1 DNA repair associated; minus strand). Cytogenetic location: 17q21.31.
Variant type: Deletion.
Coding change: c.2620_2621del on transcript NM_007294.4 (MANE Select); coding-DNA positions 2620 to 2621, 2 bases deleted (AA; older notation c.2620_2621delAA).
Protein change: p.Asn874fs; shifts the reading frame from asparagine 874.
Molecular consequence: frameshift variant. On other transcripts: intron variant (137).
Genome position (GRCh38, 1-based): chr17:43,092,910-43,092,911, TT deleted on the plus strand (AA on the coding strand, the reverse complement: BRCA1 is on the minus strand); deleting any 2 consecutive bases within chr17:43,092,910-43,092,912 gives the same sequence; the c. name uses the placement nearest the transcript's 3' end. VCF-style (leftmost placement, unchanged base first): chr17-43092909-ATT-A. GRCh37 (hg19) VCF-style: chr17-41244926-ATT-A.
Other names: c.2620_2621delAA (NM_007294.3); c.2407_2408del, p.Asn803fs (NM_001407571.1, NM_001407853.1, NM_001407894.1 and 9 more transcripts); c.2620_2621del, p.Asn874fs (NM_001407581.1, NM_001407582.1, NM_001407583.1 and 30 more transcripts); c.2617_2618del, p.Asn873fs (NM_001407587.1, NM_001407590.1, NM_001407591.1 and 22 more transcripts); c.2611_2612del, p.Asn871fs (NM_001407646.1, NM_001407647.1); c.2497_2498del, p.Asn833fs (NM_001407648.1, NM_001407664.1, NM_001407665.1 and 19 more transcripts); c.2494_2495del, p.Asn832fs (NM_001407649.1, NM_001407670.1, NM_001407671.1 and 11 more transcripts); c.2542_2543del, p.Asn848fs (NM_001407653.1, NM_001407654.1, NM_001407655.1 and 4 more transcripts); and 42 more; short protein forms N827fs, N874fs, N785fs, N848fs, N871fs, N706fs, N746fs, N747fs.
Identifiers: ClinVar variation 633096 (VCV000633096.2), dbSNP rs587781423, ClinGen allele CA913190418.